The following is an entry in ClinVar:

NM_020987.5(ANK3):c.3897G>A (p.Thr1299=)

Gene: ANK3 (ankyrin 3; minus strand). Cytogenetic location: 10q21.2.
Variant type: single nucleotide variant.
Coding change: c.3897G>A on transcript NM_020987.5 (MANE Select); coding-DNA position 3897, G replaced by A.
Protein change: p.Thr1299=; no amino-acid change (threonine 1299 retained).
Molecular consequence: synonymous variant.
Genome position (GRCh38, 1-based): chr10:60,084,779, C>T on the plus strand (G>A on the coding strand, the complement: ANK3 is on the minus strand). VCF-style: chr10-60084779-C-T. GRCh37 (hg19) VCF-style: chr10-61844537-C-T.
Other names: c.1299G>A, p.Thr433= (NM_001149.4); c.3879G>A, p.Thr1293= (NM_001204403.2); c.3900G>A, p.Thr1300= (NM_001204404.2); c.3897G>A, p.Thr1299= (NM_001320874.2).
Identifiers: ClinVar variation 434172 (VCV000434172.39), dbSNP rs150367434, ClinGen allele CA5512373.
Genomic context (GRCh38, chr10:60,084,779, plus strand): 5'-TTTGGCAAAAACAACAAACTTGGCCATATATGGAACACATATCAATTCTCTGTACAGTTG[C>T]GTGGCTAACCCCACAGTTTCTAAAACTTGATGGCAGTCTGCAAGCCAAAATCTGAGCAAA-3'
Protein context (NP_066267.2, residues 1289-1309): HQVLETVGLA[Thr1299=]QLYRELICVP

ClinVar aggregate classification (germline): Likely benign. Review status: criteria provided, multiple submitters, no conflicts (2 of 4 stars). 5 submissions from 5 submitters: Likely benign (5). Last evaluated 2026-01-12.

Allele frequency attached by ClinVar (database versions not stated): 1000 Genomes Project 0.00060; 1000 Genomes Project 30x 0.00062; ESP Exome Variant Server 0.00077; gnomAD 0.00106 and 0.00108; TOPMed 0.00106; gnomAD exomes 0.00114; ExAC 0.00116.
gnomAD v4.1: 2,430 of 1,592,418 alleles (0.15%); highest among the groups gnomAD compares: Middle Eastern, 0.28%; 6 homozygotes.

Submissions (5):

Labcorp Genetics (formerly Invitae), Labcorp
Classification: Likely benign. Last evaluated: 2026-01-12. Review status: criteria provided, single submitter. Criteria: Invitae Variant Classification Sherloc (09022015). Collection method: clinical testing. Allele origin: germline.

Blueprint Genetics
Classification: Likely benign. Last evaluated: 2024-09-13. Review status: criteria provided, single submitter. Criteria: ACMG Guidelines, 2015. Collection method: clinical testing. Allele origin: germline.

CeGaT Center for Human Genetics Tuebingen
Classification: Likely benign. Last evaluated: 2024-06-01. Review status: criteria provided, single submitter. Criteria: CeGaT Center For Human Genetics Tuebingen Variant Classification Criteria Version 2. Collection method: clinical testing. Allele origin: germline. Affected: yes. Observed: 4 variant alleles.
Comment: ANK3: BP4, BP7

Genetic Services Laboratory, University of Chicago
Classification: Likely benign. Last evaluated: 2016-10-31. Review status: criteria provided, single submitter. Criteria: ACMG Guidelines, 2015. Collection method: clinical testing. Allele origin: germline. Affected: no.

Breakthrough Genomics
Classification: Likely benign. Review status: criteria provided, single submitter. Criteria: ACMG Guidelines, 2015. Collection method: not provided. Allele origin: germline. Inheritance: Autosomal recessive inheritance. Affected: yes.